The following is an entry in ClinVar:

NM_000329.3(RPE65):c.883A>T (p.Lys295Ter)

Gene: RPE65 (retinoid isomerohydrolase RPE65; minus strand). Cytogenetic location: 1p31.3.
Variant type: single nucleotide variant.
Coding change: c.883A>T on transcript NM_000329.3 (MANE Select); coding-DNA position 883, A replaced by T.
Protein change: p.Lys295Ter; replaces lysine 295 with a stop codon.
Molecular consequence: nonsense.
Genome position (GRCh38, 1-based): chr1:68,439,057, T>A on the plus strand (A>T on the coding strand, the complement: RPE65 is on the minus strand). VCF-style: chr1-68439057-T-A. GRCh37 (hg19) VCF-style: chr1-68904740-T-A.
Other names: NM_000329.3:c.883A>T; c.775A>T, p.Lys259Ter (NM_001406853.1); c.607A>T, p.Lys203Ter (NM_001406856.1, NM_001406857.1); c.883A>T, p.Lys295Ter (NM_001406859.1); short protein forms K203*, K259*, K295*.
Identifiers: ClinVar variation 4976806 (VCV004976806.1).

ClinVar aggregate classification (germline): Pathogenic (3 of 4 stars; one submission).

Conditions:
RPE65-related recessive retinopathy. Also called: Recessive RPE65 retinopathy. Identifiers: MedGen CN305526, MONDO:0100368.

Submission:

ClinGen Leber Congenital Amaurosis/early Onset Retinal Dystrophy Variant Curation Expert Panel, ClinGen
Classification: Pathogenic for RPE65-related recessive retinopathy. Last evaluated: 2026-09-22. Review status: reviewed by expert panel. Criteria: ClinGen LCAeoRD ACMG Specifications RPE65 V1.0.0. Collection method: curation. Allele origin: germline. Inheritance: Autosomal recessive inheritance.
Comment: NM_000329.3(RPE65):c.883A>T (p.Lys295Ter) is a nonsense variant that introduces a premature stop codon into exon 9 of 14, and is predicted to lead to nonsense-mediated decay in a gene in which loss-of-function is an established mechanism of disease (PVS1). This variant is absent from gnomAD v4.1.1 (PM2_Supporting). At least one proband harboring this variant exhibits a phenotype including diagnosis of Leber congenital amaurosis (0.5 pts) at 6 months of age (1 pt), reduced central visual acuity (1 pt), salt‐and‐pepper mottling (0.5 pts), retinal vasculature attenuation in the fundus (0.5 pts), hypo‐autofluorescent fundus (2 pts), and subjective improvement of dark-adapted vision but also chorioretinal atrophy following RPE65 gene therapy (2 pts), which together are specific for RPE65-related recessive retinopathy (total 7.5 pts, PMID: 32556084, PMID: 36225124, PP4). In summary, this variant meets the criteria to be classified as Pathogenic for RPE65-related recessive retinopathy based on the ACMG/AMP criteria applied, as specified by the ClinGen LCA / eoRD VCEP: PVS1, PM2_Supporting, and PP4. (VCEP specifications version 1.0.0).